The following is an entry in ClinVar:

NM_052963.3(TOP1MT):c.65G>A (p.Arg22His)

Gene: TOP1MT (DNA topoisomerase I mitochondrial; minus strand). Cytogenetic location: 8q24.3.
Variant type: single nucleotide variant.
Coding change: c.65G>A on transcript NM_052963.3 (MANE Select); coding-DNA position 65, G replaced by A.
Protein change: p.Arg22His; replaces arginine 22 with histidine.
Molecular consequence: missense variant. On other transcripts: intron variant (2).
Genome position (GRCh38, 1-based): chr8:143,334,797, C>T on the plus strand (G>A on the coding strand, the complement: TOP1MT is on the minus strand). VCF-style: chr8-143334797-C-T. GRCh37 (hg19) VCF-style: chr8-144416967-C-T.
Other names: c.-172-3458G>A (NM_001258447.1, NM_001258446.1); short protein forms R22H.
Identifiers: ClinVar variation 1414592 (VCV001414592.6), dbSNP rs201456967, ClinGen allele CA4909047.
Genomic context (GRCh38, chr8:143,334,797, plus strand): 5'-TACCTGGCTCCACTGCCCTTCTGCGTCCTGCGCGAGCCCGGGACACCCCGGGAGGCCGGG[C>T]GGCGGGGGACCTCCCCGAGCAGCGTCAGAGCCGCCCGGAGCCGCAGCAGCCGCACCACGC-3'
Protein context (NP_443195.1, residues 12-32): ALTLLGEVPR[Arg22His]PASRGVPGSR

ClinVar aggregate classification (germline): Uncertain significance (1 of 4 stars; one submission).

Allele frequency attached by ClinVar (database versions not stated): gnomAD exomes 0.00074; gnomAD 0.00075 and 0.00073; ESP Exome Variant Server 0.00088; ExAC 0.00094; TOPMed 0.00057.
gnomAD v4.1: 1,621 of 1,580,396 alleles (0.1%); highest among the groups gnomAD compares: Non-Finnish European, 0.13%; 2 homozygotes.

Submission:

Labcorp Genetics (formerly Invitae), Labcorp
Classification: Uncertain significance. Last evaluated: 2025-09-18. Review status: criteria provided, single submitter. Criteria: Invitae Variant Classification Sherloc (09022015). Collection method: clinical testing. Allele origin: germline.
Comment: This sequence change replaces arginine, which is basic and polar, with histidine, which is basic and polar, at codon 22 of the TOP1MT protein (p.Arg22His). This variant is present in population databases (rs201456967, gnomAD 0.1%), and has an allele count higher than expected for a pathogenic variant. This variant has not been reported in the literature in individuals affected with TOP1MT-related conditions. ClinVar contains an entry for this variant (Variation ID: 1414592). Invitae Evidence Modeling of protein sequence and biophysical properties (such as structural, functional, and spatial information, amino acid conservation, physicochemical variation, residue mobility, and thermodynamic stability) indicates that this missense variant is not expected to disrupt TOP1MT protein function with a negative predictive value of 80%. In summary, the available evidence is currently insufficient to determine the role of this variant in disease. Therefore, it has been classified as a Variant of Uncertain Significance.